The following is an entry in ClinVar:

NM_001008216.2(GALE):c.715C>T (p.Arg239Trp)

Gene: GALE (UDP-galactose-4-epimerase; minus strand). Cytogenetic location: 1p36.11.
Variant type: single nucleotide variant.
Coding change: c.715C>T on transcript NM_001008216.2 (MANE Select); coding-DNA position 715, C replaced by T.
Protein change: p.Arg239Trp; replaces arginine 239 with tryptophan.
Molecular consequence: missense variant.
Genome position (GRCh38, 1-based): chr1:23,796,777, G>A on the plus strand (C>T on the coding strand, the complement: GALE is on the minus strand). VCF-style: chr1-23796777-G-A. GRCh37 (hg19) VCF-style: chr1-24123267-G-A.
Other names: c.715C>T, p.Arg239Trp (NM_000403.4, NM_001127621.2); short protein forms R239W.
Identifiers: ClinVar variation 21172 (VCV000021172.7), dbSNP rs137853860, ClinGen allele CA341699.
Genomic context (GRCh38, chr1:23,796,777, plus strand): 5'-TCAGCTTCCTTAAGGCTGCAATGTGGCCCTTGGCCAGATCCACGACATGGATGTAATCCC[G>A]GACACCTGCAGAGAAGGGAGTGTGTTGGATGGGGAGTCTGTTCCCCCTGACTCTCCTTCC-3'
Protein context (NP_001008217.1, residues 229-249): DYDTEDGTGV[Arg239Trp]DYIHVVDLAK

ClinVar aggregate classification (germline): Pathogenic/Likely pathogenic. Review status: criteria provided, multiple submitters, no conflicts (2 of 4 stars). 5 submissions from 5 submitters: Pathogenic (3); Likely pathogenic (1). 1 of the submissions does not count toward it. Last evaluated 2026-01-26.

Conditions:
Thrombocytopenia 13, syndromic. Also called: THROMBOCYTOPENIA, AUTOSOMAL RECESSIVE, 13. Identifiers: MedGen C5935599, MONDO:0958333, OMIM 620776.
UDPglucose-4-epimerase deficiency. Also called: UDP-GALACTOSE-4-EPIMERASE DEFICIENCY; GALACTOSEMIA III; GALE DEFICIENCY; Galactose epimerase deficiency; Epimerase Deficiency Galactosemia; UDPglucose 4-Epimerase Deficiency Disease. Identifiers: Orphanet 352, Orphanet 79238, MedGen C0751161, MONDO:0009257, OMIM 230350.

Allele frequency attached by ClinVar (database versions not stated): ExAC 0.00002; 1000 Genomes Project 30x 0.00031; gnomAD 0.00001; gnomAD exomes 0.00002 and 0.00001; TOPMed below 0.00001; 1000 Genomes Project 0.00020.
gnomAD v4.1: 14 of 1,610,332 alleles (0.00087%); highest among the groups gnomAD compares: East Asian, 0.0089%; no homozygotes.

Submissions (5):

3billion
Classification: Pathogenic for UDPglucose-4-epimerase deficiency. Last evaluated: 2026-01-26. Review status: criteria provided, single submitter. Criteria: ACMG Guidelines, 2015. Collection method: clinical testing. Allele origin: germline. Affected: yes.
Comment: The variant is observed at an extremely low frequency in the gnomAD v4.1.0 dataset (total allele frequency: <0.001%). Predicted Consequence/Location: Missense variant Functional studies provide moderate evidence of the variant having a damaging effect on the gene or gene product (PMID: 16301867). In silico tool predictions suggest damaging effect of the variant on gene or gene product [REVEL: 0.92 (>=0.6, sensitivity 0.68 and specificity 0.92); 3Cnet: 0.99 (> 0.75, sensitivity 0.96 and precision 0.92)]. The same nucleotide change resulting in the same amino acid change has been previously reported as pathogenic/likely pathogenic with strong evidence (ClinVar ID: VCV000021172 /PMID: 16301867). The variant has been reported to be in trans with a pathogenic variant as either compound heterozygous or homozygous in at least one similarly affected unrelated individual (PMID: 16301867). Therefore, this variant is classified as Pathogenic according to the recommendation of ACMG/AMP guideline.

Fulgent Genetics
Classification: Pathogenic for UDPglucose-4-epimerase deficiency; Thrombocytopenia 13, syndromic. Last evaluated: 2024-02-28. Review status: criteria provided, single submitter. Criteria: ACMG Guidelines, 2015. Collection method: clinical testing. Allele origin: germline.

Women's Health and Genetics/Laboratory Corporation of America, LabCorp
Classification: Pathogenic for UDPglucose-4-epimerase deficiency. Last evaluated: 2023-05-05. Review status: criteria provided, single submitter. Criteria: LabCorp Variant Classification Summary - May 2015. Collection method: clinical testing. Allele origin: germline.
Comment: Variant summary: GALE c.715C>T (p.Arg239Trp) results in a non-conservative amino acid change located in the NAD(P)-binding domain (IPR016040) of the encoded protein sequence. Five of five in-silico tools predict a damaging effect of the variant on protein function. This is supported by molecular dynamics, residue network analysis, and cross-correlation matrix based computational strategies (Kumar_2019) supporting a critical amino acid residue essential for UDP-galactose 4-epimerase enzyme function. The variant allele was found at a frequency of 1.6e-05 in 243976 control chromosomes. c.715C>T has been reported in the literature as a biallelic genotype in individuals affected with UDPglucose-4-Epimerase Deficiency (example Park_2005). At least one publication reports experimental evidence evaluating an impact on protein function (Bang_2009). The most pronounced variant effect results in no detectable enzyme activity when expressed in GALE-null ldlD cells. Also unlike wild-type, this variant was not able to rescue galactose-sensitive cell proliferation when stably expressed in ldlD cells. The following publications have been ascertained in the context of this evaluation (PMID: 19250319, 33555556, 16301867, 30247636). One clinical diagnostic laboratory has submitted clinical-significance assessments for this variant to ClinVar after 2014 and classified the variant as likely pathogenic. Based on the evidence outlined above, the variant was classified as pathogenic.

Soonchunhyang University Bucheon Hospital, Soonchunhyang University Medical Center
Classification: Likely pathogenic for UDPglucose-4-epimerase deficiency. Last evaluated: 2016-03-18. Review status: criteria provided, single submitter. Criteria: ACMG Guidelines, 2015. Collection method: reference population. Allele origin: germline. Observed: 1 variant allele.

GeneReviews
No classification provided. Condition: UDPglucose-4-epimerase deficiency. Review status: no classification provided. Collection method: literature only. Allele origin: germline. Not counted in ClinVar's aggregate classification.
Comment: Account for 67% of alleles reported in a cohort of asymptomatic Koreans with peripheral epimerase deficiency galactosemia

Literature cited by the submitters: PubMed 16301867 (cited by 4 submitters); PubMed 19250319 (cited by Women's Health and Genetics/Laboratory Corporation of America, LabCorp and Soonchunhyang University Bucheon Hospital, Soonchunhyang University Medical Center); PubMed 30247636 (cited by Women's Health and Genetics/Laboratory Corporation of America, LabCorp); PubMed 33555556 (cited by Women's Health and Genetics/Laboratory Corporation of America, LabCorp); PubMed 23644136 (cited by Soonchunhyang University Bucheon Hospital, Soonchunhyang University Medical Center).